The following is an entry in ClinVar:

NM_005861.4(STUB1):c.469C>T (p.Gln157Ter)

Gene: STUB1 (STIP1 homology and U-box containing protein 1; plus strand). Cytogenetic location: 16p13.3.
Variant type: single nucleotide variant.
Coding change: c.469C>T on transcript NM_005861.4 (MANE Select); coding-DNA position 469, C replaced by T.
Protein change: p.Gln157Ter; replaces glutamine 157 with a stop codon.
Molecular consequence: nonsense.
Genome position (GRCh38, 1-based): chr16:681,548, C>T. VCF-style: chr16-681548-C-T. GRCh37 (hg19) VCF-style: chr16-731548-C-T.
Other names: c.253C>T, p.Gln85Ter (NM_001293197.2); short protein forms Q157*, Q85*.
Identifiers: ClinVar variation 1687153 (VCV001687153.1), dbSNP rs776620952, ClinGen allele CA394112421.

ClinVar aggregate classification (germline): Likely pathogenic (1 of 4 stars; one submission).

Conditions:
Autosomal recessive spinocerebellar ataxia 16. Identifiers: Orphanet 412057, MedGen C5190574, MONDO:0014339, OMIM 615768.

Submission:

3billion
Classification: Likely pathogenic for Autosomal recessive spinocerebellar ataxia 16. Last evaluated: 2022-05-22. Review status: criteria provided, single submitter. Criteria: ACMG Guidelines, 2015. Collection method: clinical testing. Allele origin: germline. Affected: yes. Observed: 1 heterozygote.
Comment: The variant is not observed in the gnomAD v2.1.1 dataset. Stop-gained (nonsense): predicted to result in a loss or disruption of normal protein function through nonsense-mediated decay (NMD) or protein truncation. Multiple pathogenic variants are reported downstream of the variant. Therefore, this variant is classified as likely pathogenic according to the recommendation of ACMG/AMP guideline.